The following is an entry in ClinVar:

NM_198578.4(LRRK2):c.3035A>T (p.His1012Leu)

Gene: LRRK2 (leucine rich repeat kinase 2; plus strand). Cytogenetic location: 12q12.
Variant type: single nucleotide variant.
Coding change: c.3035A>T on transcript NM_198578.4 (MANE Select); coding-DNA position 3035, A replaced by T.
Protein change: p.His1012Leu; replaces histidine 1012 with leucine.
Molecular consequence: missense variant.
Genome position (GRCh38, 1-based): chr12:40,295,583, A>T. VCF-style: chr12-40295583-A-T. GRCh37 (hg19) VCF-style: chr12-40689385-A-T.
Other names: short protein forms H1012L.
Identifiers: ClinVar variation 1799082 (VCV001799082.2), dbSNP rs769306194, ClinGen allele CA6513812.

ClinVar aggregate classification (germline): Uncertain significance (1 of 4 stars; one submission).

Conditions:
Inborn genetic diseases. Identifiers: MedGen C0950123, MeSH D030342.

Allele frequency attached by ClinVar (database versions not stated): ExAC 0.00001.

Submission:

Ambry Genetics
Classification: Uncertain significance for Inborn genetic diseases. Last evaluated: 2022-08-24. Review status: criteria provided, single submitter. Criteria: Ambry Variant Classification Scheme 2023. Collection method: clinical testing. Allele origin: germline.
Comment: The p.H1012L variant (also known as c.3035A>T), located in coding exon 23 of the LRRK2 gene, results from an A to T substitution at nucleotide position 3035. The histidine at codon 1012 is replaced by leucine, an amino acid with similar properties. This amino acid position is conserved. In addition, the in silico prediction for this alteration is inconclusive. Since supporting evidence is limited at this time, the clinical significance of this alteration remains unclear.